The following is an entry in ClinVar:

NM_017947.4(MOCOS):c.1061A>G (p.Gln354Arg)

Gene: MOCOS (molybdenum cofactor sulfurase; plus strand). Cytogenetic location: 18q12.2.
Variant type: single nucleotide variant.
Coding change: c.1061A>G on transcript NM_017947.4 (MANE Select); coding-DNA position 1061, A replaced by G.
Protein change: p.Gln354Arg; replaces glutamine 354 with arginine.
Molecular consequence: missense variant.
Genome position (GRCh38, 1-based): chr18:36,205,119, A>G. VCF-style: chr18-36205119-A-G. GRCh37 (hg19) VCF-style: chr18-33785082-A-G.
Other names: short protein forms Q354R.
Identifiers: ClinVar variation 1719245 (VCV001719245.5), dbSNP rs1445937396, ClinGen allele CA402217869.

ClinVar aggregate classification (germline): Uncertain significance (1 of 4 stars; one submission).

Conditions:
Xanthinuria type II. Also called: Xanthine dehydrogenase and aldehyde oxidase combined deficiency of; XDH and AOX dual deficiency. Identifiers: Orphanet 3467, Orphanet 93602, MedGen C1863688, MONDO:0011346, OMIM 603592.

Submission:

Labcorp Genetics (formerly Invitae), Labcorp
Classification: Uncertain significance for Xanthinuria type II. Last evaluated: 2023-09-11. Review status: criteria provided, single submitter. Criteria: Invitae Variant Classification Sherloc (09022015). Collection method: clinical testing. Allele origin: germline.
Comment: This sequence change replaces glutamine, which is neutral and polar, with arginine, which is basic and polar, at codon 354 of the MOCOS protein (p.Gln354Arg). This variant is not present in population databases (gnomAD no frequency). This variant has not been reported in the literature in individuals affected with MOCOS-related conditions. ClinVar contains an entry for this variant (Variation ID: 1719245). Advanced modeling of protein sequence and biophysical properties (such as structural, functional, and spatial information, amino acid conservation, physicochemical variation, residue mobility, and thermodynamic stability) performed at Invitae indicates that this missense variant is not expected to disrupt MOCOS protein function. In summary, the available evidence is currently insufficient to determine the role of this variant in disease. Therefore, it has been classified as a Variant of Uncertain Significance.